The following is an entry in ClinVar:

ClinVar aggregate classification (germline): Uncertain significance. Review status: criteria provided, multiple submitters, no conflicts (2 of 4 stars). 2 submissions from 2 submitters: Uncertain significance (2). Last evaluated 2026-04-16.

Conditions:
Hereditary cancer-predisposing syndrome. Also called: Hereditary Cancer Syndrome; Tumor predisposition; Hereditary neoplastic syndrome; Neoplastic Syndromes, Hereditary. Identifiers: Orphanet 140162, MedGen C0027672, MeSH D009386, MONDO:0015356.

Submissions (2):

Ambry Genetics
Classification: Uncertain significance for Hereditary cancer-predisposing syndrome. Last evaluated: 2026-04-16. Review status: criteria provided, single submitter. Criteria: Ambry Variant Classification Scheme 2023. Collection method: clinical testing. Allele origin: germline.
Comment: The p.K453Q variant (also known as c.1357A>C), located in coding exon 9 of the RAD50 gene, results from an A to C substitution at nucleotide position 1357. The lysine at codon 453 is replaced by glutamine, an amino acid with similar properties. This amino acid position is conserved. In addition, this alteration is predicted to be tolerated by in silico analysis. Based on the available evidence, the clinical significance of this variant remains unclear.

Labcorp Genetics (formerly Invitae), Labcorp
Classification: Uncertain significance for Hereditary cancer-predisposing syndrome. Last evaluated: 2026-01-05. Review status: criteria provided, single submitter. Criteria: Invitae Variant Classification Sherloc (09022015). Collection method: clinical testing. Allele origin: germline.
Comment: This sequence change replaces lysine, which is basic and polar, with glutamine, which is neutral and polar, at codon 453 of the RAD50 protein (p.Lys453Gln). This variant is not present in population databases (gnomAD no frequency). This variant has not been reported in the literature in individuals affected with RAD50-related conditions. ClinVar contains an entry for this variant (Variation ID: 408357). Invitae Evidence Modeling of protein sequence and biophysical properties (such as structural, functional, and spatial information, amino acid conservation, physicochemical variation, residue mobility, and thermodynamic stability) has been performed for this missense variant. However, the output from this modeling did not meet the statistical confidence thresholds required to predict the impact of this variant on RAD50 protein function. In summary, the available evidence is currently insufficient to determine the role of this variant in disease. Therefore, it has been classified as a Variant of Uncertain Significance.

NM_005732.4(RAD50):c.1357A>C (p.Lys453Gln)

Gene: RAD50 (RAD50 double strand break repair protein; plus strand). Cytogenetic location: 5q31.1.
Variant type: single nucleotide variant.
Coding change: c.1357A>C on transcript NM_005732.4 (MANE Select); coding-DNA position 1357, A replaced by C.
Protein change: p.Lys453Gln; replaces lysine 453 with glutamine.
Molecular consequence: missense variant.
Genome position (GRCh38, 1-based): chr5:132,589,742, A>C. VCF-style: chr5-132589742-A-C. GRCh37 (hg19) VCF-style: chr5-131925434-A-C.
Other names: short protein forms K453Q.
Identifiers: ClinVar variation 408357 (VCV000408357.11), dbSNP rs1060501943, ClinGen allele CA16611817.